The following is an entry in ClinVar:

ClinVar aggregate classification (germline): Uncertain significance. Review status: criteria provided, multiple submitters, no conflicts (2 of 4 stars). 2 submissions from 2 submitters: Uncertain significance (2). Last evaluated 2023-04-04.

Conditions:
Nephronophthisis. Also called: Juvenile Nephronophthisis. Identifiers: Orphanet 655, MedGen C0687120, MONDO:0019005, HP:0000090.

Allele frequency attached by ClinVar (database versions not stated): TOPMed below 0.00001; gnomAD 0.00001; ExAC 0.00002; gnomAD exomes 0.00002 and 0.00003.
gnomAD v4.1: 41 of 1,613,996 alleles (0.0025%); highest among the groups gnomAD compares: Non-Finnish European, 0.0033%; no homozygotes.

Submissions (2):

Blueprint Genetics
Classification: Uncertain significance. Last evaluated: 2023-04-04. Review status: criteria provided, single submitter. Criteria: ACMG Guidelines, 2015. Collection method: clinical testing. Allele origin: germline.

Labcorp Genetics (formerly Invitae), Labcorp
Classification: Uncertain significance for Nephronophthisis. Last evaluated: 2021-10-12. Review status: criteria provided, single submitter. Criteria: Invitae Variant Classification Sherloc (09022015). Collection method: clinical testing. Allele origin: germline.
Comment: In summary, the available evidence is currently insufficient to determine the role of this variant in disease. Therefore, it has been classified as a Variant of Uncertain Significance. Algorithms developed to predict the effect of missense changes on protein structure and function (SIFT, PolyPhen-2, Align-GVGD) all suggest that this variant is likely to be disruptive. This variant has not been reported in the literature in individuals affected with NPHP3-related conditions. This variant is present in population databases (rs762836818, ExAC 0.004%). This sequence change replaces glutamic acid with glutamine at codon 1013 of the NPHP3 protein (p.Glu1013Gln). The glutamic acid residue is highly conserved and there is a small physicochemical difference between glutamic acid and glutamine.

NM_153240.5(NPHP3):c.3037G>C (p.Glu1013Gln)

Genes: NPHP3 (nephrocystin 3; minus strand), NPHP3-ACAD11 (NPHP3-ACAD11 readthrough (NMD candidate); minus strand). Cytogenetic location: 3q22.1.
Variant type: single nucleotide variant.
Coding change: c.3037G>C on transcript NM_153240.5 (MANE Select); coding-DNA position 3037, G replaced by C.
Protein change: p.Glu1013Gln; replaces glutamic acid 1013 with glutamine.
Molecular consequence: missense variant. On other transcripts: non-coding transcript variant (1).
Genome position (GRCh38, 1-based): chr3:132,688,738, C>G on the plus strand (G>C on the coding strand, the complement: NPHP3 is on the minus strand). VCF-style: chr3-132688738-C-G. GRCh37 (hg19) VCF-style: chr3-132407582-C-G.
Other names: short protein forms E1013Q.
Identifiers: ClinVar variation 1438057 (VCV001438057.7), dbSNP rs762836818, ClinGen allele CA2621859.
Genomic context (GRCh38, chr3:132,688,738, plus strand): 5'-GTGCTTCAAGTTCACGAGCAGTATATGGATGGTCCGCACCATAAGCATTTTCTGAGATTT[C>G]CAACGCCTGTTTATACAGTTGTTCTGCATTGCCAAACTTCTTCCACTGCACGTATACACT-3'
Protein context (NP_694972.3, residues 1003-1023): NAEQLYKQAL[Glu1013Gln]ISENAYGADH